The following is an entry in ClinVar:

NM_020964.3(EPG5):c.7420C>T (p.Arg2474Trp)

Gene: EPG5 (ectopic P-granules 5 autophagy tethering factor; minus strand). Cytogenetic location: 18q12.3.
Variant type: single nucleotide variant.
Coding change: c.7420C>T on transcript NM_020964.3 (MANE Select); coding-DNA position 7420, C replaced by T.
Protein change: p.Arg2474Trp; replaces arginine 2474 with tryptophan.
Molecular consequence: missense variant.
Genome position (GRCh38, 1-based): chr18:45,857,875, G>A on the plus strand (C>T on the coding strand, the complement: EPG5 is on the minus strand). VCF-style: chr18-45857875-G-A. GRCh37 (hg19) VCF-style: chr18-43437840-G-A.
Other names: c.7420C>T, p.Arg2474Trp (NM_001410858.1); c.7417C>T, p.Arg2473Trp (NM_001410859.1); short protein forms R2474W, R2473W.
Identifiers: ClinVar variation 1911490 (VCV001911490.4), dbSNP rs1188184108, ClinGen allele CA402335812.

ClinVar aggregate classification (germline): Uncertain significance (1 of 4 stars; one submission).

Conditions:
Vici syndrome (VICIS). Identifiers: Orphanet 1493, MedGen C1855772, MONDO:0009452, OMIM 242840.

Allele frequency attached by ClinVar (database versions not stated): gnomAD exomes 0.00001; gnomAD 0.00002; TOPMed 0.00006.
gnomAD v4.1: 11 of 1,611,960 alleles (0.00068%); highest among the groups gnomAD compares: Admixed American, 0.005%; no homozygotes.

Submission:

Labcorp Genetics (formerly Invitae), Labcorp
Classification: Uncertain significance for Vici syndrome. Last evaluated: 2024-06-17. Review status: criteria provided, single submitter. Criteria: Invitae Variant Classification Sherloc (09022015). Collection method: clinical testing. Allele origin: germline.
Comment: This sequence change replaces arginine, which is basic and polar, with tryptophan, which is neutral and slightly polar, at codon 2474 of the EPG5 protein (p.Arg2474Trp). This variant is present in population databases (no rsID available, gnomAD 0.003%). This variant has not been reported in the literature in individuals affected with EPG5-related conditions. ClinVar contains an entry for this variant (Variation ID: 1911490). Advanced modeling of protein sequence and biophysical properties (such as structural, functional, and spatial information, amino acid conservation, physicochemical variation, residue mobility, and thermodynamic stability) performed at Invitae indicates that this missense variant is expected to disrupt EPG5 protein function with a positive predictive value of 80%. In summary, the available evidence is currently insufficient to determine the role of this variant in disease. Therefore, it has been classified as a Variant of Uncertain Significance.